The following is an entry in ClinVar:

ClinVar aggregate classification (germline): Uncertain significance (0 of 4 stars; one submission).

Conditions:
VPS13B-related disorder. Also called: VPS13B-related condition.

gnomAD v4.1: 2 of 1,614,026 alleles (0.00012%); highest among the groups gnomAD compares: Non-Finnish European, 0.00017%; no homozygotes.

Submission:

PreventionGenetics, part of Exact Sciences
Classification: Uncertain significance for VPS13B-related condition. Last evaluated: 2024-03-30. Review status: no assertion criteria provided. Collection method: clinical testing. Allele origin: germline.
Comment: The VPS13B c.6593G>A variant is predicted to result in the amino acid substitution p.Gly2198Glu. To our knowledge, this variant has not been reported in the literature or in a large population database, indicating this variant is rare. At this time, the clinical significance of this variant is uncertain due to the absence of conclusive functional and genetic evidence.

NM_152564.5(VPS13B):c.6593G>A (p.Gly2198Glu)

Gene: VPS13B (vacuolar protein sorting 13 homolog B; plus strand). Cytogenetic location: 8q22.2.
Variant type: single nucleotide variant.
Coding change: c.6593G>A on transcript NM_152564.5 (MANE Select); coding-DNA position 6593, G replaced by A.
Protein change: p.Gly2198Glu; replaces glycine 2198 with glutamic acid.
Molecular consequence: missense variant.
Genome position (GRCh38, 1-based): chr8:99,717,309, G>A. VCF-style: chr8-99717309-G-A. GRCh37 (hg19) VCF-style: chr8-100729537-G-A.
Other names: c.6668G>A, p.Gly2223Glu (NM_017890.5); short protein forms G2198E, G2223E.
Identifiers: ClinVar variation 3357423 (VCV003357423.1).
Genomic context (GRCh38, chr8:99,717,309, plus strand): 5'-TTCTGATAGGACCATGTTGTGCTACTGCCAATCTGGAAGCTAAGTGGTGTAAACACAGCG[G>A]GAATCCAGGCCCAGAACAATCCATACCAAAAATATCCATTGACTTAAGAGGAGGTCTACT-3'
Protein context (NP_689777.3, residues 2188-2208): NLEAKWCKHS[Gly2198Glu]NPGPEQSIPK